The following is an entry in ClinVar:

NM_000246.4(CIITA):c.2491G>A (p.Gly831Ser)

Gene: CIITA (class II major histocompatibility complex transactivator; plus strand). Cytogenetic location: 16p13.13.
Variant type: single nucleotide variant.
Coding change: c.2491G>A on transcript NM_000246.4 (MANE Select); coding-DNA position 2491, G replaced by A.
Protein change: p.Gly831Ser; replaces glycine 831 with serine.
Molecular consequence: missense variant. On other transcripts: intron variant (1).
Genome position (GRCh38, 1-based): chr16:10,907,983, G>A. VCF-style: chr16-10907983-G-A. GRCh37 (hg19) VCF-style: chr16-11001840-G-A.
Other names: c.2494G>A, p.Gly832Ser (NM_001286402.1, NM_001379332.1); c.2347G>A, p.Gly783Ser (NM_001379330.1); c.2344G>A, p.Gly782Ser (NM_001379331.1); c.2491G>A, p.Gly831Ser (NM_001379333.1); c.2422G>A, p.Gly808Ser (NM_001379334.1); c.860-1000G>A (NM_001286403.2); short protein forms G782S, G831S, G832S, G783S, G808S.
Identifiers: ClinVar variation 2165706 (VCV002165706.5), dbSNP rs759652613, ClinGen allele CA7900388.

ClinVar aggregate classification (germline): Uncertain significance. Review status: criteria provided, multiple submitters, no conflicts (2 of 4 stars). 2 submissions from 2 submitters: Uncertain significance (2). Last evaluated 2025-09-25.

Conditions:
Inborn genetic diseases. Identifiers: MedGen C0950123, MeSH D030342.
MHC class II deficiency. Also called: Bare lymphocyte syndrome 2; BLS, TYPE II. Identifiers: Orphanet 572, MedGen C5447452, MONDO:0008855.

Allele frequency attached by ClinVar (database versions not stated): TOPMed 0.00001.
gnomAD v4.1: 33 of 1,585,716 alleles (0.0021%); highest among the groups gnomAD compares: East Asian, 0.018%; no homozygotes.

Submissions (2):

Labcorp Genetics (formerly Invitae), Labcorp
Classification: Uncertain significance for MHC class II deficiency. Last evaluated: 2025-09-25. Review status: criteria provided, single submitter. Criteria: Invitae Variant Classification Sherloc (09022015). Collection method: clinical testing. Allele origin: germline.
Comment: This sequence change replaces glycine, which is neutral and non-polar, with serine, which is neutral and polar, at codon 831 of the CIITA protein (p.Gly831Ser). This variant is present in population databases (rs759652613, gnomAD 0.004%). This variant has not been reported in the literature in individuals affected with CIITA-related conditions. ClinVar contains an entry for this variant (Variation ID: 2165706). An algorithm developed to predict the effect of missense changes on protein structure and function outputs the following: PolyPhen-2: "Benign". The serine amino acid residue is found in multiple mammalian species, which suggests that this missense change does not adversely affect protein function. In summary, the available evidence is currently insufficient to determine the role of this variant in disease. Therefore, it has been classified as a Variant of Uncertain Significance.

Ambry Genetics
Classification: Uncertain significance for Inborn genetic diseases. Last evaluated: 2023-03-31. Review status: criteria provided, single submitter. Criteria: Ambry Variant Classification Scheme 2023. Collection method: clinical testing. Allele origin: germline.